The following is an entry in ClinVar:

NM_001009944.3(PKD1):c.11114T>A (p.Ile3705Asn)

Genes: PKD1-AS1 (PKD1 antisense RNA 1; plus strand), PKD1 (polycystin 1, transient receptor potential channel interacting; minus strand). Cytogenetic location: 16p13.3.
Variant type: single nucleotide variant.
Coding change: c.11114T>A on transcript NM_001009944.3 (MANE Select); coding-DNA position 11114, T replaced by A.
Protein change: p.Ile3705Asn; replaces isoleucine 3705 with asparagine.
Molecular consequence: missense variant. On other transcripts: non-coding transcript variant (1).
Genome position (GRCh38, 1-based): chr16:2,092,996, A>T on the plus strand (T>A on the coding strand, the complement: PKD1 is on the minus strand). VCF-style: chr16-2092996-A-T. GRCh37 (hg19) VCF-style: chr16-2142997-A-T.
Other names: c.11111T>A, p.Ile3704Asn (NM_000296.4); short protein forms I3704N, I3705N.
Identifiers: ClinVar variation 5005521 (VCV005005521.2).
Genomic context (GRCh38, chr16:2,092,996, plus strand): 5'-TGCACCGGATGCCCGTACCGCGTGATGGCCAGGAAGGCCCGGCTGTGCAGCTCCTGCTTG[A>T]TGGCGCTTTGCAGACGGTAGGCGTGCCCATGGCATGAGGCATCCCCATAGCTGGCCAGCA-3'
Protein context (NP_001009944.3, residues 3695-3715): HGHAYRLQSA[Ile3705Asn]KQELHSRAFL

ClinVar aggregate classification (germline): Uncertain significance (1 of 4 stars; one submission).

Conditions:
Polycystic kidney disease, adult type (PKD1). Also called: POLYCYSTIC KIDNEY DISEASE, ADULT, TYPE I; Polycystic Kidney, Autosomal Dominant; Polycystic Kidney Disease 1, Autosomal Dominant; Polycystic kidney disease 1; Polycystic kidney disease 1, severe; POLYCYSTIC KIDNEY DISEASE 1 WITH OR WITHOUT POLYCYSTIC LIVER DISEASE. Identifiers: MedGen C3149841, MONDO:0008263, OMIM 173900.

Submission:

Juno Genomics, Hangzhou Juno Genomics, Inc
Classification: Uncertain significance for Polycystic kidney disease, adult type. Review status: criteria provided, single submitter. Criteria: ACMG Guidelines, 2015. Collection method: clinical testing. Allele origin: germline.
Comment: Absent from controls (or at extremely low frequency if recessive) in Genome Aggregation Database.